The following is an entry in ClinVar:

ClinVar aggregate classification (germline): Uncertain significance (1 of 4 stars; one submission).

Conditions:
Hereditary cancer-predisposing syndrome. Also called: Neoplastic Syndromes, Hereditary; Hereditary Cancer Syndrome; Tumor predisposition; Hereditary neoplastic syndrome. Identifiers: Orphanet 140162, MedGen C0027672, MeSH D009386, MONDO:0015356.

gnomAD v4.1: 1 of 1,614,104 alleles (0.000062%); highest among the groups gnomAD compares: Non-Finnish European, 0.000085%; no homozygotes.

Submission:

Ambry Genetics
Classification: Uncertain significance for Hereditary cancer-predisposing syndrome. Last evaluated: 2025-01-05. Review status: criteria provided, single submitter. Criteria: Ambry Variant Classification Scheme 2023. Collection method: clinical testing. Allele origin: germline.
Comment: The p.I622F variant (also known as c.1864A>T), located in coding exon 17 of the POLE gene, results from an A to T substitution at nucleotide position 1864. The isoleucine at codon 622 is replaced by phenylalanine, an amino acid with highly similar properties. This amino acid position is conserved. In addition, this alteration is predicted to be deleterious by in silico analysis. Based on the available evidence, the clinical significance of this variant remains unclear.

NM_006231.4(POLE):c.1864A>T (p.Ile622Phe)

Gene: POLE (DNA polymerase epsilon, catalytic subunit; minus strand). Cytogenetic location: 12q24.33.
Variant type: single nucleotide variant.
Coding change: c.1864A>T on transcript NM_006231.4 (MANE Select); coding-DNA position 1864, A replaced by T.
Protein change: p.Ile622Phe; replaces isoleucine 622 with phenylalanine.
Molecular consequence: missense variant.
Genome position (GRCh38, 1-based): chr12:132,668,870, T>A on the plus strand (A>T on the coding strand, the complement: POLE is on the minus strand). VCF-style: chr12-132668870-T-A. GRCh37 (hg19) VCF-style: chr12-133245456-T-A.
Other names: short protein forms I622F.
Identifiers: ClinVar variation 3781548 (VCV003781548.1).